The following is an entry in ClinVar:

ClinVar aggregate classification (germline): Uncertain significance. Review status: criteria provided, multiple submitters, no conflicts (2 of 4 stars). 2 submissions from 2 submitters: Uncertain significance (2). Last evaluated 2024-10-04.

Conditions:
Inborn genetic diseases. Identifiers: MedGen C0950123, MeSH D030342.

Allele frequency attached by ClinVar (database versions not stated): TOPMed 0.00008; ESP Exome Variant Server 0.00015.
gnomAD v4.1: 48 of 1,613,072 alleles (0.003%); highest among the groups gnomAD compares: African/African-American, 0.0067%; no homozygotes.

Submissions (2):

Ambry Genetics
Classification: Uncertain significance for Inborn genetic diseases. Last evaluated: 2024-10-04. Review status: criteria provided, single submitter. Criteria: Ambry Variant Classification Scheme 2023. Collection method: clinical testing. Allele origin: germline.

Labcorp Genetics (formerly Invitae), Labcorp
Classification: Uncertain significance. Last evaluated: 2021-08-31. Review status: criteria provided, single submitter. Criteria: Invitae Variant Classification Sherloc (09022015). Collection method: clinical testing. Allele origin: germline.
Comment: This sequence change replaces alanine with threonine at codon 331 of the TONSL protein (p.Ala331Thr). The alanine residue is moderately conserved and there is a small physicochemical difference between alanine and threonine. This variant is present in population databases (rs372340880, ExAC 0.006%). This variant has not been reported in the literature in individuals affected with TONSL-related conditions. Algorithms developed to predict the effect of missense changes on protein structure and function (SIFT, PolyPhen-2, Align-GVGD) all suggest that this variant is likely to be tolerated. In summary, the available evidence is currently insufficient to determine the role of this variant in disease. Therefore, it has been classified as a Variant of Uncertain Significance.

NM_013432.5(TONSL):c.991G>A (p.Ala331Thr)

Gene: TONSL (tonsoku like, DNA repair protein; minus strand). Cytogenetic location: 8q24.3.
Variant type: single nucleotide variant.
Coding change: c.991G>A on transcript NM_013432.5 (MANE Select); coding-DNA position 991, G replaced by A.
Protein change: p.Ala331Thr; replaces alanine 331 with threonine.
Molecular consequence: missense variant.
Genome position (GRCh38, 1-based): chr8:144,440,986, C>T on the plus strand (G>A on the coding strand, the complement: TONSL is on the minus strand). VCF-style: chr8-144440986-C-T. GRCh37 (hg19) VCF-style: chr8-145666369-C-T.
Other names: c.991G>A (NM_013432.4); short protein forms A331T.
Identifiers: ClinVar variation 1991163 (VCV001991163.2), dbSNP rs372340880, ClinGen allele CA4943432.
Genomic context (GRCh38, chr8:144,440,986, plus strand): 5'-CTCACTGGCCCTTCCCTCCCACCCAGCCGGGGCCACACACCTGCTTCTGGTAAGCCTCAG[C>T]TGCCCTGGGAAAGTCTCCTGCCTTGGAGAAGAGGTCCCCTAGCTGCTCACAGATGACCAT-3'
Protein context (NP_038460.4, residues 321-341): FSKAGDFPRA[Ala331Thr]EAYQKQLRFA